The following is an entry in ClinVar:

ClinVar aggregate classification (germline): Conflicting classifications of pathogenicity. Review status: criteria provided, conflicting classifications (1 of 4 stars). 4 submissions from 4 submitters: Uncertain significance (3); Benign (1). Last evaluated 2024-06-02.

Conditions:
SETX-related disorder. Also called: SETX-related disorders; SETX-related condition. Identifiers: MedGen CN239403.
Amyotrophic lateral sclerosis type 4 (ALS4). Also called: NEURONOPATHY, DISTAL HEREDITARY MOTOR, WITH PYRAMIDAL FEATURES; AMYOTROPHIC LATERAL SCLEROSIS 4, JUVENILE. Identifiers: Orphanet 357043, MedGen C1865409, MONDO:0011223, OMIM 602433.
Spinocerebellar ataxia, autosomal recessive, with axonal neuropathy 2 (SCAN2). Also called: Ataxia with Oculomotor Apraxia; Ataxia with Oculomotor Apraxia Type 2; ATAXIA-OCULOMOTOR APRAXIA 2; Ataxia-ocular apraxia-2. Identifiers: Orphanet 64753, MedGen C1853761, MONDO:0018996, OMIM 606002.

Allele frequency attached by ClinVar (database versions not stated): gnomAD exomes below 0.00001; TOPMed below 0.00001.

Submissions (4):

Labcorp Genetics (formerly Invitae), Labcorp
Classification: Benign for Amyotrophic lateral sclerosis type 4; Spinocerebellar ataxia, autosomal recessive, with axonal neuropathy 2. Last evaluated: 2024-06-02. Review status: criteria provided, single submitter. Criteria: Invitae Variant Classification Sherloc (09022015). Collection method: clinical testing. Allele origin: germline.

PreventionGenetics, part of Exact Sciences
Classification: Uncertain significance for SETX-related condition. Last evaluated: 2023-07-13. Review status: criteria provided, single submitter. Criteria: ACMG Guidelines, 2015. Collection method: clinical testing. Allele origin: germline.
Comment: The SETX c.4103G>T variant is predicted to result in the amino acid substitution p.Cys1368Phe. To our knowledge, this variant has not been reported in the literature. This variant is reported in 0.0054% of alleles in individuals of East Asian descent in gnomAD. At this time, the clinical significance of this variant is uncertain due to the absence of conclusive functional and genetic evidence.

Athena Diagnostics
Classification: Uncertain significance. Last evaluated: 2022-11-07. Review status: criteria provided, single submitter. Criteria: Athena Diagnostics Criteria. Collection method: clinical testing. Allele origin: unknown.
Comment: Available data are insufficient to determine the clinical significance of the variant at this time. The frequency of this variant in the general population is uninformative in assessment of its pathogenicity. Computational tools predict that this variant is not damaging.

ARUP Laboratories, Molecular Genetics and Genomics, ARUP Laboratories
Classification: Uncertain significance. Last evaluated: 2022-06-22. Review status: criteria provided, single submitter. Criteria: ARUP Molecular Germline Variant Investigation Process 2021. Collection method: clinical testing. Allele origin: germline.
Comment: The SETX c.4103G>T, p.Cys1368Phe variant (rs1445388214), to our knowledge, is not reported in the medical literature but is reported in ClinVar (Variation ID: 568959). This variant is only observed on one allele in the Genome Aggregation Database, indicating it is not a common polymorphism. The cysteine at codon 1368 is weakly conserved, but computational analyses are uncertain whether this variant is neutral or deleterious (REVEL: 0.295). Due to limited information, the clinical significance of this variant is uncertain at this time.

NM_015046.7(SETX):c.4103G>T (p.Cys1368Phe)

Gene: SETX (senataxin; minus strand). Cytogenetic location: 9q34.13.
Variant type: single nucleotide variant.
Coding change: c.4103G>T on transcript NM_015046.7 (MANE Select); coding-DNA position 4103, G replaced by T.
Protein change: p.Cys1368Phe; replaces cysteine 1368 with phenylalanine.
Molecular consequence: missense variant.
Genome position (GRCh38, 1-based): chr9:132,327,495, C>A on the plus strand (G>T on the coding strand, the complement: SETX is on the minus strand). VCF-style: chr9-132327495-C-A. GRCh37 (hg19) VCF-style: chr9-135202882-C-A.
Other names: c.4103G>T, p.Cys1368Phe (NM_001351527.2, NM_001351528.2); short protein forms C1368F.
Identifiers: ClinVar variation 568959 (VCV000568959.15), dbSNP rs1445388214, ClinGen allele CA375327288.